The following is an entry in ClinVar:

NM_000384.3(APOB):c.6969T>A (p.Asn2323Lys)

Gene: APOB (apolipoprotein B; minus strand). Cytogenetic location: 2p24.1.
Variant type: single nucleotide variant.
Coding change: c.6969T>A on transcript NM_000384.3 (MANE Select); coding-DNA position 6969, T replaced by A.
Protein change: p.Asn2323Lys; replaces asparagine 2323 with lysine.
Molecular consequence: missense variant.
Genome position (GRCh38, 1-based): chr2:21,009,899, A>T on the plus strand (T>A on the coding strand, the complement: APOB is on the minus strand). VCF-style: chr2-21009899-A-T. GRCh37 (hg19) VCF-style: chr2-21232771-A-T.
Other names: short protein forms N2323K.
Identifiers: ClinVar variation 1302137 (VCV001302137.11), dbSNP rs138118085, ClinGen allele CA063899.

ClinVar aggregate classification (germline): Conflicting classifications of pathogenicity. Review status: criteria provided, conflicting classifications (1 of 4 stars). 5 submissions from 5 submitters: Uncertain significance (4); Benign (1). Last evaluated 2025-06-01.

Conditions:
Cardiovascular phenotype. Identifiers: MedGen CN230736.
Familial hypobetalipoproteinemia 1. Also called: APOB-Related Familial Hypobetalipoproteinemia; Hypobetalipoproteinemia, normotriglyceridemic; Acanthocytosis with hypobetalipoproteinemia. Identifiers: MedGen C4551990, MONDO:0014252, OMIM 615558.
Hypercholesterolemia, autosomal dominant, type B (FHCL2). Also called: Familial hypercholesterolemia 2; APOB-Related Familial Hypercholesterolemia, Autosomal Dominant; Familial Hypercholesterolemia Type B; Hyperlipoproteinemia Type IIb; APOLIPOPROTEIN B-100, FAMILIAL DEFECTIVE; APOLIPOPROTEIN B-100, FAMILIAL LIGAND-DEFECTIVE. Identifiers: MedGen C1704417, MONDO:0007751, OMIM 144010.

Allele frequency attached by ClinVar (database versions not stated): ExAC 0.00004; gnomAD exomes 0.00004; ESP Exome Variant Server 0.00008; gnomAD 0.00013 and 0.00016; TOPMed 0.00022.
gnomAD v4.1: 51 of 1,613,884 alleles (0.0032%); highest among the groups gnomAD compares: African/African-American, 0.068%; no homozygotes.

Submissions (5):

Labcorp Genetics (formerly Invitae), Labcorp
Classification: Benign for Familial hypobetalipoproteinemia 1; Hypercholesterolemia, autosomal dominant, type B. Last evaluated: 2025-06-01. Review status: criteria provided, single submitter. Criteria: Invitae Variant Classification Sherloc (09022015). Collection method: clinical testing. Allele origin: germline.

Fulgent Genetics
Classification: Uncertain significance for Hypercholesterolemia, autosomal dominant, type B; Familial hypobetalipoproteinemia 1. Last evaluated: 2021-09-02. Review status: criteria provided, single submitter. Criteria: ACMG Guidelines, 2015. Collection method: clinical testing. Allele origin: unknown.

GeneDx
Classification: Uncertain significance. Last evaluated: 2019-05-09. Review status: criteria provided, single submitter. Criteria: GeneDx Variant Classification Process June 2021. Collection method: clinical testing. Allele origin: germline. Affected: yes.
Comment: Has not been previously published as pathogenic or benign to our knowledge; In silico analysis, which includes protein predictors and evolutionary conservation, supports a deleterious effect

Ambry Genetics
Classification: Uncertain significance for Cardiovascular phenotype. Last evaluated: 2018-02-26. Review status: criteria provided, single submitter. Criteria: Ambry Variant Classification Scheme 2023. Collection method: clinical testing. Allele origin: germline.
Comment: The p.N2323K variant (also known as c.6969T>A), located in coding exon 26 of the APOB gene, results from a T to A substitution at nucleotide position 6969. The asparagine at codon 2323 is replaced by lysine, an amino acid with some similar properties. This amino acid position is not well conserved in available vertebrate species, and lysine is the reference amino acid in other vertebrate species. In addition, this alteration is predicted to be tolerated by in silico analysis. Since supporting evidence is limited at this time, the clinical significance of this alteration remains unclear.

Breakthrough Genomics
Classification: Uncertain significance. Review status: criteria provided, single submitter. Criteria: ACMG Guidelines, 2015. Collection method: not provided. Allele origin: germline. Inheritance: Autosomal recessive inheritance. Affected: yes.